The following is an entry in ClinVar:

ClinVar aggregate classification (germline): Uncertain significance (1 of 4 stars; one submission).

Conditions:
Noonan syndrome 9 (NS9). Identifiers: Orphanet 648, MedGen C4225282, MONDO:0014691, OMIM 616559.

gnomAD v4.1: 7 of 1,614,028 alleles (0.00043%); highest among the groups gnomAD compares: Non-Finnish European, 0.00059%; no homozygotes.

Submission:

Labcorp Genetics (formerly Invitae), Labcorp
Classification: Uncertain significance for Noonan syndrome 9. Last evaluated: 2024-03-23. Review status: criteria provided, single submitter. Criteria: Invitae Variant Classification Sherloc (09022015). Collection method: clinical testing. Allele origin: germline.
Comment: This sequence change replaces threonine, which is neutral and polar, with proline, which is neutral and non-polar, at codon 1084 of the SOS2 protein (p.Thr1084Pro). This variant is not present in population databases (gnomAD no frequency). This variant has not been reported in the literature in individuals affected with SOS2-related conditions. Advanced modeling of protein sequence and biophysical properties (such as structural, functional, and spatial information, amino acid conservation, physicochemical variation, residue mobility, and thermodynamic stability) performed at Invitae indicates that this missense variant is not expected to disrupt SOS2 protein function with a negative predictive value of 95%. In summary, the available evidence is currently insufficient to determine the role of this variant in disease. Therefore, it has been classified as a Variant of Uncertain Significance.

NM_006939.4(SOS2):c.3250A>C (p.Thr1084Pro)

Gene: SOS2 (SOS Ras/Rho guanine nucleotide exchange factor 2; minus strand). Cytogenetic location: 14q21.3.
Variant type: single nucleotide variant.
Coding change: c.3250A>C on transcript NM_006939.4 (MANE Select); coding-DNA position 3250, A replaced by C.
Protein change: p.Thr1084Pro; replaces threonine 1084 with proline.
Molecular consequence: missense variant.
Genome position (GRCh38, 1-based): chr14:50,130,588, T>G on the plus strand (A>C on the coding strand, the complement: SOS2 is on the minus strand). VCF-style: chr14-50130588-T-G. GRCh37 (hg19) VCF-style: chr14-50597306-T-G.
Other names: c.3151A>C, p.Thr1051Pro (NM_001411020.1); short protein forms T1051P, T1084P.
Identifiers: ClinVar variation 3013372 (VCV003013372.3), dbSNP rs150752193, ClinGen allele CA260714055.